The following is an entry in ClinVar:

NM_017841.4(SDHAF2):c.146A>G (p.Glu49Gly)

Gene: SDHAF2 (succinate dehydrogenase complex assembly factor 2; plus strand). Cytogenetic location: 11q12.2.
Variant type: single nucleotide variant.
Coding change: c.146A>G on transcript NM_017841.4 (MANE Select); coding-DNA position 146, A replaced by G.
Protein change: p.Glu49Gly; replaces glutamic acid 49 with glycine.
Molecular consequence: missense variant.
Genome position (GRCh38, 1-based): chr11:61,437,734, A>G. VCF-style: chr11-61437734-A-G. GRCh37 (hg19) VCF-style: chr11-61205206-A-G.
Other names: short protein forms E49G.
Identifiers: ClinVar variation 849710 (VCV000849710.13), dbSNP rs1295134579, ClinGen allele CA380683324.
Genomic context (GRCh38, chr11:61,437,734, plus strand): 5'-CATCATTCAGACGCTTCTACAGAGGTGACAGCCCAACAGATTCCCAAAAGGACATGATTG[A>G]AATCCCTTTGCCTCCATGGCAGGAGAGAACTGATGAATCCATAGAAACCAAAAGAGCCCG-3'
Protein context (NP_060311.1, residues 39-59): SPTDSQKDMI[Glu49Gly]IPLPPWQERT

ClinVar aggregate classification (germline): Uncertain significance. Review status: criteria provided, multiple submitters, no conflicts (2 of 4 stars). 4 submissions from 4 submitters: Uncertain significance (4). Last evaluated 2026-02-19.

Conditions:
Hereditary cancer-predisposing syndrome. Also called: Hereditary Cancer Syndrome; Tumor predisposition; Neoplastic Syndromes, Hereditary; Hereditary neoplastic syndrome. Identifiers: Orphanet 140162, MedGen C0027672, MeSH D009386, MONDO:0015356.
Hereditary pheochromocytoma and paraganglioma. Also called: Hereditary pheochromocytoma-paraganglioma; Hereditary paragangliomas and pheochromocytomas; Hereditary Paraganglioma-Pheochromocytoma Syndromes. Identifiers: Orphanet 29072, MedGen C4274332, MONDO:0017366.

Allele frequency attached by ClinVar (database versions not stated): TOPMed below 0.00001; gnomAD 0.00001.

Submissions (4):

Ambry Genetics
Classification: Uncertain significance for Hereditary cancer-predisposing syndrome. Last evaluated: 2026-02-19. Review status: criteria provided, single submitter. Criteria: Ambry Variant Classification Scheme 2023. Collection method: clinical testing. Allele origin: germline.
Comment: The p.E49G variant (also known as c.146A>G), located in coding exon 2 of the SDHAF2 gene, results from an A to G substitution at nucleotide position 146. The glutamic acid at codon 49 is replaced by glycine, an amino acid with similar properties. This amino acid position is conserved. In addition, the in silico prediction for this alteration is inconclusive. Based on the available evidence, the clinical significance of this variant remains unclear.

All of Us Research Program, National Institutes of Health
Classification: Uncertain significance for Hereditary pheochromocytoma and paraganglioma. Last evaluated: 2023-12-13. Review status: criteria provided, single submitter. Criteria: ACMG Guidelines, 2015. Collection method: clinical testing. Allele origin: germline. Inheritance: Autosomal dominant inheritance. Observed: 2 variant alleles, 2 heterozygotes.
Comment: This missense variant replaces glutamic acid with glycine at codon 49 of the SDHAF2 protein. Computational prediction is inconclusive regarding the impact of this variant on protein structure and function (internally defined REVEL score threshold 0.5 < inconclusive < 0.7, PMID: 27666373). To our knowledge, functional studies have not been reported for this variant. This variant has not been reported in individuals affected with SDHAF2-related disorders in the literature. This variant has not been identified in the general population by the Genome Aggregation Database (gnomAD). The available evidence is insufficient to determine the role of this variant in disease conclusively. Therefore, this variant is classified as a Variant of Uncertain Significance.

This study involves interpretation of variants in research participants for the purpose of population health screening. Participant phenotype was not available at the time of variant classification. Additional details can be found in publication PMID: 35346344, PMCID: PMC8962531

Labcorp Genetics (formerly Invitae), Labcorp
Classification: Uncertain significance for Hereditary pheochromocytoma and paraganglioma. Last evaluated: 2020-12-02. Review status: criteria provided, single submitter. Criteria: Invitae Variant Classification Sherloc (09022015). Collection method: clinical testing. Allele origin: germline.
Comment: This sequence change replaces glutamic acid with glycine at codon 49 of the SDHAF2 protein (p.Glu49Gly). The glutamic acid residue is moderately conserved and there is a moderate physicochemical difference between glutamic acid and glycine. This variant is not present in population databases (ExAC no frequency). This variant has not been reported in the literature in individuals with SDHAF2-related conditions. Algorithms developed to predict the effect of missense changes on protein structure and function are either unavailable or do not agree on the potential impact of this missense change (SIFT: "Deleterious"; PolyPhen-2: "Possibly Damaging"; Align-GVGD: "Class C0"). In summary, the available evidence is currently insufficient to determine the role of this variant in disease. Therefore, it has been classified as a Variant of Uncertain Significance.

GeneDx
Classification: Uncertain significance. Last evaluated: 2020-08-10. Review status: criteria provided, single submitter. Criteria: GeneDx Variant Classification Process June 2021. Collection method: clinical testing. Allele origin: germline. Affected: yes.
Comment: Not observed in large population cohorts (Lek 2016); In silico analysis supports that this missense variant has a deleterious effect on protein structure/function; Has not been previously published as pathogenic or benign to our knowledge